The following is an entry in ClinVar:

NM_017999.5(RNF31):c.1243del (p.Cys415fs)

Gene: RNF31 (ring finger protein 31; plus strand). Cytogenetic location: 14q12.
Variant type: Deletion.
Coding change: c.1243del on transcript NM_017999.5 (MANE Select); coding-DNA position 1243, one base deleted (T; older notation c.1243delT).
Protein change: p.Cys415fs; shifts the reading frame from cysteine 415.
Molecular consequence: frameshift variant.
Genome position (GRCh38, 1-based): chr14:24,150,643, T deleted. VCF-style (leftmost placement, unchanged base first): chr14-24150642-CT-C. GRCh37 (hg19) VCF-style: chr14-24619851-CT-C.
Other names: c.790del, p.Cys264fs (NM_001310332.2); short protein forms C415fs, C264fs.
Identifiers: ClinVar variation 1370443 (VCV001370443.6), dbSNP rs2139079768, ClinGen allele CA2573149892.

ClinVar aggregate classification (germline): Uncertain significance (1 of 4 stars; one submission).

Allele frequency attached by ClinVar (database versions not stated): gnomAD exomes below 0.00001.

Submission:

Labcorp Genetics (formerly Invitae), Labcorp
Classification: Uncertain significance. Last evaluated: 2022-04-30. Review status: criteria provided, single submitter. Criteria: Invitae Variant Classification Sherloc (09022015). Collection method: clinical testing. Allele origin: germline.
Comment: In summary, the available evidence is currently insufficient to determine the role of this variant in disease. Therefore, it has been classified as a Variant of Uncertain Significance. Algorithms developed to predict the effect of sequence changes on RNA splicing suggest that this variant may create or strengthen a splice site. This variant has not been reported in the literature in individuals affected with RNF31-related conditions. This variant is not present in population databases (gnomAD no frequency). This sequence change creates a premature translational stop signal (p.Cys415Valfs*77) in the RNF31 gene. It is expected to result in an absent or disrupted protein product. However, the current clinical and genetic evidence is not sufficient to establish whether loss-of-function variants in RNF31 cause disease.